The following is an entry in ClinVar:

NM_000199.5(SGSH):c.746-6C>G

Gene: SGSH (N-sulfoglucosamine sulfohydrolase; minus strand). Cytogenetic location: 17q25.3.
Variant type: single nucleotide variant.
Coding change: c.746-6C>G on transcript NM_000199.5 (MANE Select); 6 bases into the intron before coding-DNA position 746, C replaced by G.
Molecular consequence: intron variant.
Genome position (GRCh38, 1-based): chr17:80,212,280, G>C on the plus strand (C>G on the coding strand, the complement: SGSH is on the minus strand). VCF-style: chr17-80212280-G-C. GRCh37 (hg19) VCF-style: chr17-78186079-G-C.
Other names: c.746-6C>G (NM_001352921.3, NM_001352922.2).
Identifiers: ClinVar variation 2191742 (VCV002191742.1), dbSNP rs369102791, ClinGen allele CA8817788.

ClinVar aggregate classification (germline): Uncertain significance (1 of 4 stars; one submission).

Conditions:
Mucopolysaccharidosis, MPS-III-A (MPS3A). Also called: HEPARAN SULFATE SULFATASE DEFICIENCY; SANFILIPPO SYNDROME A; SULFAMIDASE DEFICIENCY; MPS III A; MUCOPOLYSACCHARIDOSIS, TYPE IIIA, ATTENUATED; Mucopolysaccharidosis type IIIA (Sanfilippo A). Identifiers: Orphanet 581, Orphanet 79269, MedGen C0086647, MONDO:0009655, OMIM 252900.

Allele frequency attached by ClinVar (database versions not stated): TOPMed below 0.00001; ExAC 0.00001; ESP Exome Variant Server 0.00008.

Submission:

Labcorp Genetics (formerly Invitae), Labcorp
Classification: Uncertain significance for Mucopolysaccharidosis, MPS-III-A. Last evaluated: 2022-08-10. Review status: criteria provided, single submitter. Criteria: Invitae Variant Classification Sherloc (09022015). Collection method: clinical testing. Allele origin: germline.
Comment: This sequence change falls in intron 6 of the SGSH gene. It does not directly change the encoded amino acid sequence of the SGSH protein. This variant is present in population databases (rs369102791, gnomAD 0.008%). This variant has not been reported in the literature in individuals affected with SGSH-related conditions. Algorithms developed to predict the effect of sequence changes on RNA splicing suggest that this variant may create or strengthen a splice site. In summary, the available evidence is currently insufficient to determine the role of this variant in disease. Therefore, it has been classified as a Variant of Uncertain Significance.